The following is an entry in ClinVar:

ClinVar aggregate classification (germline): Uncertain significance (1 of 4 stars; one submission).

Allele frequency attached by ClinVar (database versions not stated): gnomAD exomes 0.00001 and 0.00004; TOPMed 0.00001; ExAC 0.00003.

Submission:

Labcorp Genetics (formerly Invitae), Labcorp
Classification: Uncertain significance. Last evaluated: 2022-07-11. Review status: criteria provided, single submitter. Criteria: Invitae Variant Classification Sherloc (09022015). Collection method: clinical testing. Allele origin: germline.
Comment: This sequence change replaces glycine, which is neutral and non-polar, with serine, which is neutral and polar, at codon 530 of the EYS protein (p.Gly530Ser). This variant is present in population databases (rs779678010, gnomAD 0.02%). This variant has not been reported in the literature in individuals affected with EYS-related conditions. ClinVar contains an entry for this variant (Variation ID: 1488898). Algorithms developed to predict the effect of missense changes on protein structure and function are either unavailable or do not agree on the potential impact of this missense change (SIFT: "Tolerated"; PolyPhen-2: "Probably Damaging"; Align-GVGD: "Class C0"). In summary, the available evidence is currently insufficient to determine the role of this variant in disease. Therefore, it has been classified as a Variant of Uncertain Significance.

NM_001142800.2(EYS):c.1588G>A (p.Gly530Ser)

Gene: EYS (eyes shut homolog; minus strand). Cytogenetic location: 6q12.
Variant type: single nucleotide variant.
Coding change: c.1588G>A on transcript NM_001142800.2 (MANE Select); coding-DNA position 1588, G replaced by A.
Protein change: p.Gly530Ser; replaces glycine 530 with serine.
Molecular consequence: missense variant.
Genome position (GRCh38, 1-based): chr6:65,344,049, C>T on the plus strand (G>A on the coding strand, the complement: EYS is on the minus strand). VCF-style: chr6-65344049-C-T. GRCh37 (hg19) VCF-style: chr6-66053942-C-T.
Other names: c.1588G>A, p.Gly530Ser (NM_001142801.2, NM_001292009.2, NM_198283.2); short protein forms G530S.
Identifiers: ClinVar variation 1488898 (VCV001488898.3), dbSNP rs779678010, ClinGen allele CA3877694.